The following is an entry in ClinVar:

NM_001291303.3(FAT4):c.778C>A (p.Pro260Thr)

Gene: FAT4 (FAT atypical cadherin 4; plus strand). Cytogenetic location: 4q28.1.
Variant type: single nucleotide variant.
Coding change: c.778C>A on transcript NM_001291303.3 (MANE Select); coding-DNA position 778, C replaced by A.
Protein change: p.Pro260Thr; replaces proline 260 with threonine.
Molecular consequence: missense variant.
Genome position (GRCh38, 1-based): chr4:125,317,189, C>A. VCF-style: chr4-125317189-C-A. GRCh37 (hg19) VCF-style: chr4-126238344-C-A.
Other names: c.778C>A, p.Pro260Thr (NM_001291285.3, NM_024582.6); c.778C>A (NM_024582.4); short protein forms P260T.
Identifiers: ClinVar variation 2097650 (VCV002097650.3), dbSNP rs369161191, ClinGen allele CA3071862.

ClinVar aggregate classification (germline): Uncertain significance. Review status: criteria provided, multiple submitters, no conflicts (2 of 4 stars). 3 submissions from 3 submitters: Uncertain significance (3). Last evaluated 2026-09-01.

Conditions:
Inborn genetic diseases. Identifiers: MedGen C0950123, MeSH D030342.

Allele frequency attached by ClinVar (database versions not stated): gnomAD 0.00003; ESP Exome Variant Server 0.00008.
gnomAD v4.1: 62 of 1,595,402 alleles (0.0039%); highest among the groups gnomAD compares: Admixed American, 0.0051%; no homozygotes.

Submissions (3):

CeGaT Center for Human Genetics Tuebingen
Classification: Uncertain significance. Last evaluated: 2026-09-01. Review status: criteria provided, single submitter. Criteria: CeGaT Center For Human Genetics Tuebingen Variant Classification Criteria Version 2. Collection method: clinical testing. Allele origin: germline. Affected: yes. Observed: 1 variant allele.
Comment: FAT4: PM2

Ambry Genetics
Classification: Uncertain significance for Inborn genetic diseases. Last evaluated: 2024-08-05. Review status: criteria provided, single submitter. Criteria: Ambry Variant Classification Scheme 2023. Collection method: clinical testing. Allele origin: germline.

Labcorp Genetics (formerly Invitae), Labcorp
Classification: Uncertain significance. Last evaluated: 2022-02-24. Review status: criteria provided, single submitter. Criteria: Invitae Variant Classification Sherloc (09022015). Collection method: clinical testing. Allele origin: germline.
Comment: This sequence change replaces proline, which is neutral and non-polar, with threonine, which is neutral and polar, at codon 260 of the FAT4 protein (p.Pro260Thr). This variant is present in population databases (rs369161191, gnomAD 0.009%). This variant has not been reported in the literature in individuals affected with FAT4-related conditions. Advanced modeling of protein sequence and biophysical properties (such as structural, functional, and spatial information, amino acid conservation, physicochemical variation, residue mobility, and thermodynamic stability) performed at Invitae indicates that this missense variant is not expected to disrupt FAT4 protein function. In summary, the available evidence is currently insufficient to determine the role of this variant in disease. Therefore, it has been classified as a Variant of Uncertain Significance.